The following is an entry in ClinVar:

ClinVar aggregate classification (germline): Uncertain significance. Review status: criteria provided, multiple submitters, no conflicts (2 of 4 stars). 4 submissions from 4 submitters: Uncertain significance (4). Last evaluated 2026-01-22.

Conditions:
Inborn genetic diseases. Identifiers: MedGen C0950123, MeSH D030342.
Retinitis pigmentosa (RP). Identifiers: Orphanet 791, MedGen C0035334, MeSH D012174, MONDO:0019200, OMIM 268000. Inheritance: Autosomal dominant, autosomal recessive and X linked inheritance.

Allele frequency attached by ClinVar (database versions not stated): TOPMed 0.00002; gnomAD 0.00003; gnomAD exomes 0.00004; ExAC 0.00006; ESP Exome Variant Server 0.00008.
gnomAD v4.1: 56 of 1,614,020 alleles (0.0035%); highest among the groups gnomAD compares: Non-Finnish European, 0.0047%; no homozygotes.

Submissions (4):

Labcorp Genetics (formerly Invitae), Labcorp
Classification: Uncertain significance. Last evaluated: 2026-01-22. Review status: criteria provided, single submitter. Criteria: Invitae Variant Classification Sherloc (09022015). Collection method: clinical testing. Allele origin: germline.
Comment: This sequence change replaces isoleucine, which is neutral and non-polar, with valine, which is neutral and non-polar, at codon 417 of the CNGA1 protein (p.Ile417Val). This variant is present in population databases (rs200148364, gnomAD 0.009%). This variant has not been reported in the literature in individuals affected with CNGA1-related conditions. ClinVar contains an entry for this variant (Variation ID: 901407). Invitae Evidence Modeling of protein sequence and biophysical properties (such as structural, functional, and spatial information, amino acid conservation, physicochemical variation, residue mobility, and thermodynamic stability) indicates that this missense variant is not expected to disrupt CNGA1 protein function with a negative predictive value of 80%. In summary, the available evidence is currently insufficient to determine the role of this variant in disease. Therefore, it has been classified as a Variant of Uncertain Significance.

Blueprint Genetics
Classification: Uncertain significance. Last evaluated: 2024-10-23. Review status: criteria provided, single submitter. Criteria: ACMG Guidelines, 2015. Collection method: clinical testing. Allele origin: germline.

Ambry Genetics
Classification: Uncertain significance for Inborn genetic diseases. Last evaluated: 2022-05-25. Review status: criteria provided, single submitter. Criteria: Ambry Variant Classification Scheme 2023. Collection method: clinical testing. Allele origin: germline.

Illumina Laboratory Services, Illumina
Classification: Uncertain significance for Retinitis pigmentosa. Last evaluated: 2018-01-13. Review status: criteria provided, single submitter. Criteria: ICSL Variant Classification Criteria 13 December 2019. Collection method: clinical testing. Allele origin: germline.

NM_001379270.1(CNGA1):c.1237A>G (p.Ile413Val)

Genes: CNGA1 (cyclic nucleotide gated channel subunit alpha 1; minus strand), LOC101927157 (uncharacterized LOC101927157; plus strand). Cytogenetic location: 4p12.
Variant type: single nucleotide variant.
Coding change: c.1237A>G on transcript NM_001379270.1 (MANE Select); coding-DNA position 1237, A replaced by G.
Protein change: p.Ile413Val; replaces isoleucine 413 with valine.
Molecular consequence: missense variant.
Genome position (GRCh38, 1-based): chr4:47,937,245, T>C on the plus strand (A>G on the coding strand, the complement: CNGA1 is on the minus strand). VCF-style: chr4-47937245-T-C. GRCh37 (hg19) VCF-style: chr4-47939262-T-C.
Other names: c.1237A>G, p.Ile413Val (NM_000087.5, NM_001142564.2); short protein forms I413V.
Identifiers: ClinVar variation 901407 (VCV000901407.12), dbSNP rs200148364, ClinGen allele CA2911108.